The following is an entry in ClinVar:

NM_000038.6(APC):c.332del (p.Ser111fs)

Gene: APC (APC regulator of Wnt signaling pathway; plus strand). Cytogenetic location: 5q22.2.
Variant type: Deletion.
Coding change: c.332del on transcript NM_000038.6 (MANE Select); coding-DNA position 332, one base deleted (G; older notation c.332delG).
Protein change: p.Ser111fs; shifts the reading frame from serine 111.
Molecular consequence: frameshift variant. On other transcripts: 5 prime UTR variant (1).
Genome position (GRCh38, 1-based): chr5:112,767,300, G deleted. VCF-style (leftmost placement, unchanged base first): chr5-112767299-AG-A. GRCh37 (hg19) VCF-style: chr5-112102996-AG-A.
Other names: c.332del, p.Ser111fs (NM_001127510.3, NM_001354895.2, NM_001354896.2 and 2 more transcripts); c.362del, p.Ser121fs (NM_001127511.3, NM_001354897.2, NM_001354902.2); c.257del, p.Ser86fs (NM_001354898.2, NM_001354904.2); c.155del, p.Ser52fs (NM_001354900.2, NM_001354901.2, NM_001354905.2); c.-704del (NM_001354906.2); c.362delG, p.Ser121Ilefs (NM_001407446.1); c.332delG, p.Ser111Ilefs (NM_001407447.1, NM_001407448.1, NM_001407449.1 and 11 more transcripts); c.257delG, p.Ser86Ilefs (NM_001407451.1); and 2 more; short protein forms S121fs, S86fs, S111fs, S52fs.
Identifiers: ClinVar variation 1730292 (VCV001730292.2), dbSNP rs2532297508, ClinGen allele CA2580072389.

ClinVar aggregate classification (germline): Pathogenic (1 of 4 stars; one submission).

Conditions:
Hereditary cancer-predisposing syndrome. Also called: Neoplastic Syndromes, Hereditary; Tumor predisposition; Hereditary Cancer Syndrome; Hereditary neoplastic syndrome. Identifiers: Orphanet 140162, MedGen C0027672, MeSH D009386, MONDO:0015356.

Submission:

Ambry Genetics
Classification: Pathogenic for Hereditary cancer-predisposing syndrome. Last evaluated: 2020-09-25. Review status: criteria provided, single submitter. Criteria: Ambry Variant Classification Scheme 2023. Collection method: clinical testing. Allele origin: germline.
Comment: The c.332delG pathogenic mutation, located in coding exon 3 of the APC gene, results from a deletion of one nucleotide at nucleotide position 332, causing a translational frameshift with a predicted alternate stop codon (p.S111Ifs*14). This alteration is expected to result in loss of function by premature protein truncation or nonsense-mediated mRNA decay. As such, this alteration is interpreted as a disease-causing mutation.